The following is an entry in ClinVar:

NM_021224.6(ZNF462):c.3220A>G (p.Arg1074Gly)

Gene: ZNF462 (zinc finger protein 462; plus strand). Cytogenetic location: 9q31.2.
Variant type: single nucleotide variant.
Coding change: c.3220A>G on transcript NM_021224.6 (MANE Select); coding-DNA position 3220, A replaced by G.
Protein change: p.Arg1074Gly; replaces arginine 1074 with glycine.
Molecular consequence: missense variant.
Genome position (GRCh38, 1-based): chr9:106,927,132, A>G. VCF-style: chr9-106927132-A-G. GRCh37 (hg19) VCF-style: chr9-109689413-A-G.
Other names: c.3220A>G, p.Arg1074Gly (NM_001347997.2); short protein forms R1074G.
Identifiers: ClinVar variation 2584867 (VCV002584867.1), dbSNP rs1830227141, ClinGen allele CA374400487.

ClinVar aggregate classification (germline): Uncertain significance (1 of 4 stars; one submission).

Conditions:
Weiss-Kruszka syndrome. Also called: Metopic ridging-ptosis-facial dysmorphism syndrome. Identifiers: Orphanet 502430, MedGen C5568107, MONDO:0032836, OMIM 618619.

Allele frequency attached by ClinVar (database versions not stated): gnomAD 0.00001.
gnomAD v4.1: 1 of 1,614,084 alleles (0.000062%); highest among the groups gnomAD compares: South Asian, 0.0011%; no homozygotes.

Submission:

Neuberg Centre For Genomic Medicine, NCGM
Classification: Uncertain significance for Weiss-Kruszka syndrome. Review status: criteria provided, single submitter. Criteria: ACMG Guidelines, 2015. Collection method: clinical testing. Allele origin: germline. Inheritance: Autosomal dominant inheritance. Affected: yes.
Comment: The missense variant c.3220A>G (p.Arg1074Gly) in ZNF462 gene has not been reported previously as a pathogenic variant nor as a benign variant, to our knowledge. The p.Arg1074Gly variant is novel (not in any individuals) in gnomAD exomes and 1000 Genomes. This variant has not been reported to the ClinVar database. The amino acid Arg at position 1074 is changed to a Gly changing protein sequence and it might alter its composition and physico-chemical properties. The amino acid change p.Arg1074Gly in ZNF462 is predicted as conserved by GERP++ and PhyloP across 100 vertebrates. For these reasons, this variant has been classified as Uncertain Significance (VUS).